The following is an entry in ClinVar:

NM_058004.4(PI4KA):c.3109G>A (p.Ala1037Thr)

Gene: PI4KA (phosphatidylinositol 4-kinase alpha; minus strand). Cytogenetic location: 22q11.21.
Variant type: single nucleotide variant.
Coding change: c.3109G>A on transcript NM_058004.4 (MANE Select); coding-DNA position 3109, G replaced by A.
Protein change: p.Ala1037Thr; replaces alanine 1037 with threonine.
Molecular consequence: missense variant.
Genome position (GRCh38, 1-based): chr22:20,751,337, C>T on the plus strand (G>A on the coding strand, the complement: PI4KA is on the minus strand). VCF-style: chr22-20751337-C-T. GRCh37 (hg19) VCF-style: chr22-21105625-C-T.
Other names: c.3109G>A, p.Ala1037Thr (NM_001362862.2); c.3043G>A, p.Ala1015Thr (NM_001362863.2); short protein forms A1015T, A1037T.
Identifiers: ClinVar variation 1699180 (VCV001699180.4), dbSNP rs1568988215, ClinGen allele CA410763536.

ClinVar aggregate classification (germline): Uncertain significance. Review status: criteria provided, multiple submitters, no conflicts (2 of 4 stars). 2 submissions from 2 submitters: Uncertain significance (2). Last evaluated 2023-02-03.

Conditions:
Polymicrogyria, perisylvian, with cerebellar hypoplasia and arthrogryposis (NEDSPLB). Identifiers: MedGen C4225295, MONDO:0014679, OMIM 616531.

Allele frequency attached by ClinVar (database versions not stated): gnomAD exomes below 0.00001.
gnomAD v4.1: 3 of 1,613,912 alleles (0.00019%); highest among the groups gnomAD compares: African/African-American, 0.0013%; no homozygotes.

Submissions (2):

GeneDx
Classification: Uncertain significance. Last evaluated: 2023-02-03. Review status: criteria provided, single submitter. Criteria: GeneDx Variant Classification Process June 2021. Collection method: clinical testing. Allele origin: germline. Affected: yes.
Comment: Not observed at significant frequency in large population cohorts (gnomAD); In silico analysis supports that this missense variant does not alter protein structure/function; Has not been previously published as pathogenic or benign to our knowledge

Victorian Clinical Genetics Services, Murdoch Childrens Research Institute
Classification: Uncertain significance for Polymicrogyria, perisylvian, with cerebellar hypoplasia and arthrogryposis. Last evaluated: 2022-02-02. Review status: criteria provided, single submitter. Criteria: ACMG Guidelines, 2015. Collection method: clinical testing. Allele origin: germline. Inheritance: Autosomal recessive inheritance.
Comment: Based on the classification scheme VCGS_Germline_v1.3.4, this variant is classified as VUS-3C. Following criteria are met: 0102 - Loss of function is a known mechanism of disease in this gene and is associated with Polymicrogyria, perisylvian, with cerebellar hypoplasia and arthrogryposis (MIM#616531; PMID: 25855803). (I) 0106 - This gene is associated with autosomal recessive disease. (I) 0200 - Variant is predicted to result in a missense amino acid change from alanine to threonine. (I) 0251 - This variant is heterozygous. (I) 304 - Variant is present in gnomAD <0.01 for a recessive condition (1 heterozygote, 0 homozygotes). (SP) 0503 - Missense variant consistently predicted to be tolerated by multiple in silico tools or not conserved in placental mammals with a minor amino acid change. (SB) 0600 - Variant is located in the annotated PI4-kinase N-terminal (PFam). (I) 0705 - No comparable missense variants have previous evidence for pathogenicity. (I) 0807 - This variant has no previous evidence of pathogenicity. (I) 0905 - No published segregation evidence has been identified for this variant. (I) 1007 - No published functional evidence has been identified for this variant. (I) Legend: (SP) - Supporting pathogenic, (I) - Information, (SB) - Supporting benign

Literature cited by the submitters: PubMed 25855803 (cited by Victorian Clinical Genetics Services, Murdoch Childrens Research Institute).